The following is an entry in ClinVar:

ClinVar aggregate classification (germline): Uncertain significance (1 of 4 stars; one submission).

Conditions:
Mucopolysaccharidosis, MPS-III-A (MPS3A). Also called: HEPARAN SULFATE SULFATASE DEFICIENCY; SANFILIPPO SYNDROME A; SULFAMIDASE DEFICIENCY; MPS III A; Mucopolysaccharidosis, type IIIA; MUCOPOLYSACCHARIDOSIS, TYPE IIIA, ATTENUATED. Identifiers: Orphanet 581, Orphanet 79269, MedGen C0086647, MONDO:0009655, OMIM 252900.

Allele frequency attached by ClinVar (database versions not stated): ExAC 0.00001; gnomAD exomes 0.00001; gnomAD 0.00003; TOPMed 0.00004; ESP Exome Variant Server 0.00031.
gnomAD v4.1: 23 of 1,604,530 alleles (0.0014%); highest among the groups gnomAD compares: South Asian, 0.0033%; no homozygotes.

Submission:

Labcorp Genetics (formerly Invitae), Labcorp
Classification: Uncertain significance for Mucopolysaccharidosis, MPS-III-A. Last evaluated: 2022-07-30. Review status: criteria provided, single submitter. Criteria: Invitae Variant Classification Sherloc (09022015). Collection method: clinical testing. Allele origin: germline.
Comment: This sequence change replaces serine, which is neutral and polar, with leucine, which is neutral and non-polar, at codon 338 of the SGSH protein (p.Ser338Leu). This variant is present in population databases (rs143526757, gnomAD 0.006%). This variant has not been reported in the literature in individuals affected with SGSH-related conditions. Algorithms developed to predict the effect of missense changes on protein structure and function output the following: SIFT: "Deleterious"; PolyPhen-2: "Benign"; Align-GVGD: "Class C0". The leucine amino acid residue is found in multiple mammalian species, which suggests that this missense change does not adversely affect protein function. In summary, the available evidence is currently insufficient to determine the role of this variant in disease. Therefore, it has been classified as a Variant of Uncertain Significance.

NM_000199.5(SGSH):c.1013C>T (p.Ser338Leu)

Gene: SGSH (N-sulfoglucosamine sulfohydrolase; minus strand). Cytogenetic location: 17q25.3.
Variant type: single nucleotide variant.
Coding change: c.1013C>T on transcript NM_000199.5 (MANE Select); coding-DNA position 1013, C replaced by T.
Protein change: p.Ser338Leu; replaces serine 338 with leucine.
Molecular consequence: missense variant. On other transcripts: 3 prime UTR variant (2), non-coding transcript variant (1).
Genome position (GRCh38, 1-based): chr17:80,210,948, G>A on the plus strand (C>T on the coding strand, the complement: SGSH is on the minus strand). VCF-style: chr17-80210948-G-A. GRCh37 (hg19) VCF-style: chr17-78184747-G-A.
Other names: c.*100C>T (NM_001352921.3); c.*63C>T (NM_001352922.2); short protein forms S338L.
Identifiers: ClinVar variation 2137186 (VCV002137186.1), dbSNP rs143526757, ClinGen allele CA8817697.